The following is an entry in ClinVar:

NM_001277062.2(MFF):c.-50T>A

Gene: MFF (mitochondrial fission factor; plus strand). Cytogenetic location: 2q36.3.
Variant type: single nucleotide variant.
Coding change: c.-50T>A on transcript NM_001277062.2 (MANE Select); 50 bases upstream of the start codon, T replaced by A.
Molecular consequence: 5 prime UTR variant. On other transcripts: intron variant (1).
Genome position (GRCh38, 1-based): chr2:227,328,780, T>A. VCF-style: chr2-227328780-T-A. GRCh37 (hg19) VCF-style: chr2-228193496-T-A.
Other names: c.-150T>A (NM_001277061.2, NM_020194.5); c.-50T>A (NM_001277063.2, NM_001277064.2, NM_001277065.2 and 1 more transcripts); c.-223T>A (NM_001277067.1); c.-40-1846T>A (NM_001277066.2).
Identifiers: ClinVar variation 507097 (VCV000507097.1), dbSNP rs997890059, ClinGen allele CA658796194.
Genomic context (GRCh38, chr2:227,328,780, plus strand): 5'-AGTTAAAGGATTTAATATGAAGCACAGAAGCAGATAGTGCCAAATAGCAAGCAGTAGTTG[T>A]TACACATTTGTGAGTAAAAATGGTCCCTTTTGGCTTACTTTCTTAGTCTTTAAATCGTCT-3'

ClinVar aggregate classification (germline): Likely benign (1 of 4 stars; one submission).

Allele frequency attached by ClinVar (database versions not stated): TOPMed below 0.00001.

Submission:

GeneDx
Classification: Likely benign. Last evaluated: 2017-02-14. Review status: criteria provided, single submitter. Criteria: GeneDx Variant Classification (06012015). Collection method: clinical testing. Allele origin: germline. Affected: yes.
Comment: This variant is considered likely benign or benign based on one or more of the following criteria: it is a conservative change, it occurs at a poorly conserved position in the protein, it is predicted to be benign by multiple in silico algorithms, and/or has population frequency not consistent with disease.